The following is an entry in ClinVar:

ClinVar aggregate classification (germline): Uncertain significance. Review status: criteria provided, multiple submitters, no conflicts (2 of 4 stars). 2 submissions from 2 submitters: Uncertain significance (2). Last evaluated 2025-09-29.

Conditions:
VPS13B-related disorder. Also called: VPS13B-related condition.
Cohen syndrome (COH1). Also called: Cutis verticis gyrata, retinitis pigmentosa, and sensorineural deafness; PEPPER SYNDROME. Identifiers: Orphanet 193, MedGen C0265223, MONDO:0008999, OMIM 216550.

Allele frequency attached by ClinVar (database versions not stated): gnomAD 0.00001 and 0.00002; TOPMed 0.00002.
gnomAD v4.1: 14 of 1,614,014 alleles (0.00087%); highest among the groups gnomAD compares: East Asian, 0.011%; no homozygotes.

Submissions (2):

PreventionGenetics, part of Exact Sciences
Classification: Uncertain significance for VPS13B-related condition. Last evaluated: 2025-09-29. Review status: criteria provided, single submitter. Criteria: ACMG Guidelines, 2015. Collection method: clinical testing. Allele origin: germline.
Comment: The VPS13B c.8270C>T variant is predicted to result in the amino acid substitution p.Thr2757Met. To our knowledge, this variant has not been reported in the literature. This variant is reported in 0.0054% of alleles in individuals of East Asian descent in gnomAD. At this time, the clinical significance of this variant is uncertain due to the absence of conclusive functional and genetic evidence.

Illumina Laboratory Services, Illumina
Classification: Uncertain significance for Cohen syndrome. Last evaluated: 2018-01-13. Review status: criteria provided, single submitter. Criteria: ICSL Variant Classification Criteria 13 December 2019. Collection method: clinical testing. Allele origin: germline.

NM_152564.5(VPS13B):c.8270C>T (p.Thr2757Met)

Gene: VPS13B (vacuolar protein sorting 13 homolog B; plus strand). Cytogenetic location: 8q22.2.
Variant type: single nucleotide variant.
Coding change: c.8270C>T on transcript NM_152564.5 (MANE Select); coding-DNA position 8270, C replaced by T.
Protein change: p.Thr2757Met; replaces threonine 2757 with methionine.
Molecular consequence: missense variant.
Genome position (GRCh38, 1-based): chr8:99,817,712, C>T. VCF-style: chr8-99817712-C-T. GRCh37 (hg19) VCF-style: chr8-100829940-C-T.
Other names: c.8345C>T, p.Thr2782Met (NM_017890.5); c.8270C>T (NM_152564.4); short protein forms T2782M, T2757M.
Identifiers: ClinVar variation 908621 (VCV000908621.5), dbSNP rs1297641779, ClinGen allele CA371773117.
Genomic context (GRCh38, chr8:99,817,712, plus strand): 5'-TTGACTGCCTCACAGCCAAACAGAAATTGCCTTCGTACATACTAGAAAACAATGAACTGA[C>T]GGAGCTGTGTGTGAAGGCCAAAGGAGATGAAGACTGGTCAAGAGATGTGTGCCTGGAATC-3'
Protein context (NP_689777.3, residues 2747-2767): PSYILENNEL[Thr2757Met]ELCVKAKGDE